The following is an entry in ClinVar:

NM_033100.4(CDHR1):c.1593G>A (p.Gln531=)

Gene: CDHR1 (cadherin related family member 1; plus strand). Cytogenetic location: 10q23.1.
Variant type: single nucleotide variant.
Coding change: c.1593G>A on transcript NM_033100.4 (MANE Select); coding-DNA position 1593, G replaced by A.
Protein change: p.Gln531=; no amino-acid change (glutamine 531 retained).
Molecular consequence: synonymous variant.
Genome position (GRCh38, 1-based): chr10:84,212,218, G>A. VCF-style: chr10-84212218-G-A. GRCh37 (hg19) VCF-style: chr10-85971974-G-A.
Other names: c.1593G>A, p.Gln531= (NM_001171971.3); c.1593G>A (NM_033100.3).
Identifiers: ClinVar variation 1106418 (VCV001106418.10), dbSNP rs748614271, ClinGen allele CA5579997.
Genomic context (GRCh38, chr10:84,212,218, plus strand): 5'-CCTATGTGCTCTGCCTGGCAGCTTCCTGATCCACCCATCCACTGGGCTTATCTACACCCA[G>A]CCCTGGGCTAGCCTGGACGCTGAGGCCACTGCCAGGTACAACTTCTATGTGAAGGCAGAG-3'
Protein context (NP_149091.1, residues 521-541): IHPSTGLIYT[Gln531=]PWASLDAEAT

ClinVar aggregate classification (germline): Conflicting classifications of pathogenicity. Review status: criteria provided, conflicting classifications (1 of 4 stars). 2 submissions from 2 submitters: Uncertain significance (1); Likely benign (1). Last evaluated 2026-04-20.

Conditions:
CDHR1-related disorder. Also called: CDHR1-related condition.

Allele frequency attached by ClinVar (database versions not stated): gnomAD 0.00001; ExAC 0.00003; TOPMed 0.00004.
gnomAD v4.1: 27 of 1,614,240 alleles (0.0017%); highest among the groups gnomAD compares: Admixed American, 0.04%; 1 homozygote.

Submissions (2):

PreventionGenetics, part of Exact Sciences
Classification: Uncertain significance for CDHR1-related condition. Last evaluated: 2026-04-20. Review status: criteria provided, single submitter. Criteria: ACMG Guidelines, 2015. Collection method: clinical testing. Allele origin: germline.
Comment: The CDHR1 c.1593G>A variant is not predicted to result in an amino acid change (p.=). This variant is predicted to alter splicing based on available splicing prediction programs (SpliceAI, Jaganathan et al. 2019. PubMed ID: 30661751). However, the use of computer prediction programs is not equivalent to functional evidence. To our knowledge, this variant has not been reported in the literature. This variant is reported in 0.061% of alleles in individuals of Latino descent in gnomAD. Although we suspect that this variant may be benign, at this time, the clinical significance of this variant is uncertain due to the absence of conclusive functional and genetic evidence.

Labcorp Genetics (formerly Invitae), Labcorp
Classification: Likely benign. Last evaluated: 2026-01-15. Review status: criteria provided, single submitter. Criteria: Invitae Variant Classification Sherloc (09022015). Collection method: clinical testing. Allele origin: germline.